The following is an entry in ClinVar:

NM_001271.4(CHD2):c.982C>T (p.Gln328Ter)

Gene: CHD2 (chromodomain helicase DNA binding protein 2; plus strand). Cytogenetic location: 15q26.1.
Variant type: single nucleotide variant.
Coding change: c.982C>T on transcript NM_001271.4 (MANE Select); coding-DNA position 982, C replaced by T.
Protein change: p.Gln328Ter; replaces glutamine 328 with a stop codon.
Molecular consequence: nonsense.
Genome position (GRCh38, 1-based): chr15:92,942,998, C>T. VCF-style: chr15-92942998-C-T. GRCh37 (hg19) VCF-style: chr15-93486228-C-T.
Other names: c.982C>T, p.Gln328Ter (NM_001042572.3); short protein forms Q328*.
Identifiers: ClinVar variation 426731 (VCV000426731.4), dbSNP rs1085307766, ClinGen allele CA393902027.

ClinVar aggregate classification (germline): Pathogenic. Review status: criteria provided, multiple submitters, no conflicts (2 of 4 stars). 2 submissions from 2 submitters: Pathogenic (2). Last evaluated 2020-10-23.

Submissions (2):

Institute of Medical Genetics and Applied Genomics, University Hospital Tübingen
Classification: Pathogenic. Last evaluated: 2020-10-23. Review status: criteria provided, single submitter. Criteria: ACMG Guidelines, 2015. Collection method: clinical testing. Allele origin: germline. Inheritance: Unknown mechanism. Affected: yes.

GeneDx
Classification: Pathogenic. Last evaluated: 2017-04-06. Review status: criteria provided, single submitter. Criteria: GeneDx Variant Classification (06012015). Collection method: clinical testing. Allele origin: germline. Affected: yes.
Comment: The Q328X nonsense variant in the CHD2 gene is predicted to cause loss of normal protein function either through protein truncation or nonsense-mediated mRNA decay. Furthermore, the Q328X variant is not observed in large population cohorts (Lek et al., 2016; 1000 Genomes Consortium et al., 2015; Exome Variant Server).